The following is an entry in ClinVar:

NM_001999.4(FBN2):c.4754C>A (p.Pro1585His)

Gene: FBN2 (fibrillin 2; minus strand). Cytogenetic location: 5q23.3.
Variant type: single nucleotide variant.
Coding change: c.4754C>A on transcript NM_001999.4 (MANE Select); coding-DNA position 4754, C replaced by A.
Protein change: p.Pro1585His; replaces proline 1585 with histidine.
Molecular consequence: missense variant.
Genome position (GRCh38, 1-based): chr5:128,312,759, G>T on the plus strand (C>A on the coding strand, the complement: FBN2 is on the minus strand). VCF-style: chr5-128312759-G-T. GRCh37 (hg19) VCF-style: chr5-127648451-G-T.
Other names: short protein forms P1585H.
Identifiers: ClinVar variation 4753528 (VCV004753528.1).
Genomic context (GRCh38, chr5:128,312,759, plus strand): 5'-GAAGAGCGACTGACGCCCACCCCGATCTCGGTGTTGCAAGACAGACTCCCATCTCCTCGA[G>T]GTCCAAACTTCAGGTAGCAGTTGCCCACACGGTTGTCTGCAGAGCAACAAAGGAGCTTAC-3'
Protein context (NP_001990.2, residues 1575-1595): RVGNCYLKFG[Pro1585His]RGDGSLSCNT

ClinVar aggregate classification (germline): Uncertain significance (1 of 4 stars; one submission).

Conditions:
Congenital contractural arachnodactyly (CCA). Also called: BEALS SYNDROME; Arthrogryposis, distal, type 9; Beals-Hecht syndrome. Identifiers: Orphanet 115, MedGen C0220668, MONDO:0007363, OMIM 121050.

gnomAD v4.1: 4 of 1,613,842 alleles (0.00025%); highest among the groups gnomAD compares: Non-Finnish European, 0.00034%; no homozygotes.

Submission:

Labcorp Genetics (formerly Invitae), Labcorp
Classification: Uncertain significance for Congenital contractural arachnodactyly. Last evaluated: 2025-06-03. Review status: criteria provided, single submitter. Criteria: Invitae Variant Classification Sherloc (09022015). Collection method: clinical testing. Allele origin: germline.
Comment: This sequence change replaces proline, which is neutral and non-polar, with histidine, which is basic and polar, at codon 1585 of the FBN2 protein (p.Pro1585His). This variant is not present in population databases (gnomAD no frequency). This variant has not been reported in the literature in individuals affected with FBN2-related conditions. Invitae Evidence Modeling of protein sequence and biophysical properties (such as structural, functional, and spatial information, amino acid conservation, physicochemical variation, residue mobility, and thermodynamic stability) has been performed for this missense variant. However, the output from this modeling did not meet the statistical confidence thresholds required to predict the impact of this variant on FBN2 protein function. In summary, the available evidence is currently insufficient to determine the role of this variant in disease. Therefore, it has been classified as a Variant of Uncertain Significance.